The following is an entry in ClinVar:

ClinVar aggregate classification (germline): Conflicting classifications of pathogenicity. Review status: criteria provided, conflicting classifications (1 of 4 stars). 2 submissions from 2 submitters: Uncertain significance (1); Likely benign (1). Last evaluated 2025-05-11.

Conditions:
Hereditary cancer-predisposing syndrome. Also called: Neoplastic Syndromes, Hereditary; Hereditary Cancer Syndrome; Tumor predisposition; Hereditary neoplastic syndrome. Identifiers: Orphanet 140162, MedGen C0027672, MeSH D009386, MONDO:0015356.
EGFR-related lung cancer (EGFR). Identifiers: MedGen CN130014.

gnomAD v4.1: 4 of 1,613,736 alleles (0.00025%); highest among the groups gnomAD compares: Non-Finnish European, 0.00034%; no homozygotes.

Submissions (2):

Ambry Genetics
Classification: Likely benign for Hereditary cancer-predisposing syndrome. Last evaluated: 2025-05-11. Review status: criteria provided, single submitter. Criteria: Ambry Variant Classification Scheme 2023. Collection method: clinical testing. Allele origin: germline.

Labcorp Genetics (formerly Invitae), Labcorp
Classification: Uncertain significance for EGFR-related lung cancer. Last evaluated: 2024-03-06. Review status: criteria provided, single submitter. Criteria: Invitae Variant Classification Sherloc (09022015). Collection method: clinical testing. Allele origin: germline.
Comment: This sequence change replaces isoleucine, which is neutral and non-polar, with valine, which is neutral and non-polar, at codon 664 of the EGFR protein (p.Ile664Val). This variant is not present in population databases (gnomAD no frequency). This variant has not been reported in the literature in individuals affected with EGFR-related conditions. ClinVar contains an entry for this variant (Variation ID: 1472255). Advanced modeling of protein sequence and biophysical properties (such as structural, functional, and spatial information, amino acid conservation, physicochemical variation, residue mobility, and thermodynamic stability) performed at Invitae indicates that this missense variant is not expected to disrupt EGFR protein function with a negative predictive value of 80%. In summary, the available evidence is currently insufficient to determine the role of this variant in disease. Therefore, it has been classified as a Variant of Uncertain Significance.

NM_005228.5(EGFR):c.1990A>G (p.Ile664Val)

Gene: EGFR (epidermal growth factor receptor; plus strand). Cytogenetic location: 7p11.2.
Variant type: single nucleotide variant.
Coding change: c.1990A>G on transcript NM_005228.5 (MANE Select); coding-DNA position 1990, A replaced by G.
Protein change: p.Ile664Val; replaces isoleucine 664 with valine.
Molecular consequence: missense variant.
Genome position (GRCh38, 1-based): chr7:55,173,053, A>G. VCF-style: chr7-55173053-A-G. GRCh37 (hg19) VCF-style: chr7-55240746-A-G.
Other names: c.1855A>G, p.Ile619Val (NM_001346897.2, NM_001346899.2); c.1990A>G, p.Ile664Val (NM_001346898.2); c.1831A>G, p.Ile611Val (NM_001346900.2); c.1189A>G, p.Ile397Val (NM_001346941.2); c.1990A>G (NM_005228.3); short protein forms I397V, I611V, I619V, I664V.
Identifiers: ClinVar variation 1472255 (VCV001472255.6), dbSNP rs756705853, ClinGen allele CA367583082.